The following is an entry in ClinVar:

NM_002769.5(PRSS1):c.721A>T (p.Asn241Tyr)

Genes: PRSS1 (serine protease 1; plus strand), TRB (T cell receptor beta locus; plus strand). Cytogenetic location: 7q34.
Variant type: single nucleotide variant.
Coding change: c.721A>T on transcript NM_002769.5 (MANE Select); coding-DNA position 721, A replaced by T.
Protein change: p.Asn241Tyr; replaces asparagine 241 with tyrosine.
Molecular consequence: missense variant.
Genome position (GRCh38, 1-based): chr7:142,752,997, A>T. VCF-style: chr7-142752997-A-T. GRCh37 (hg19) VCF-style: chr7-142460848-A-T.
Other names: c.721A>T (NM_002769.4); short protein forms N241Y.
Identifiers: ClinVar variation 1477886 (VCV001477886.9), dbSNP rs141554682, ClinGen allele CA4530149.

ClinVar aggregate classification (germline): Uncertain significance. Review status: criteria provided, multiple submitters, no conflicts (2 of 4 stars). 2 submissions from 2 submitters: Uncertain significance (2). Last evaluated 2026-04-03.

Conditions:
Hereditary pancreatitis (PCTT). Also called: Hereditary chronic pancreatitis; PRSS1-Related Hereditary Pancreatitis. Identifiers: Orphanet 676, MedGen C0238339, MONDO:0008185, OMIM 167800.

Submissions (2):

Ambry Genetics
Classification: Uncertain significance for Hereditary pancreatitis. Last evaluated: 2026-04-03. Review status: criteria provided, single submitter. Criteria: Ambry Variant Classification Scheme 2023. Collection method: clinical testing. Allele origin: germline.
Comment: The p.N241Y variant (also known as c.721A>T), located in coding exon 5 of the PRSS1 gene, results from an A to T substitution at nucleotide position 721. The asparagine at codon 241 is replaced by tyrosine, an amino acid with dissimilar properties. This amino acid position is conserved. In addition, this alteration is predicted to be tolerated by in silico analysis. Based on the available evidence, the clinical significance of this variant remains unclear.

Labcorp Genetics (formerly Invitae), Labcorp
Classification: Uncertain significance for Hereditary pancreatitis. Last evaluated: 2021-03-30. Review status: criteria provided, single submitter. Criteria: Invitae Variant Classification Sherloc (09022015). Collection method: clinical testing. Allele origin: germline.
Comment: In summary, the available evidence is currently insufficient to determine the role of this variant in disease. Therefore, it has been classified as a Variant of Uncertain Significance. Algorithms developed to predict the effect of missense changes on protein structure and function are either unavailable or do not agree on the potential impact of this missense change (SIFT: "Deleterious"; PolyPhen-2: "Benign"; Align-GVGD: "Class C0"). This variant has not been reported in the literature in individuals with PRSS1-related conditions. The frequency data for this variant in the population databases is considered unreliable, as metrics indicate poor data quality at this position in the ExAC database. This sequence change replaces asparagine with tyrosine at codon 241 of the PRSS1 protein (p.Asn241Tyr). The asparagine residue is weakly conserved and there is a large physicochemical difference between asparagine and tyrosine.